The following is an entry in ClinVar:

NM_030957.4(ADAMTS10):c.-198A>G

Gene: ADAMTS10 (ADAM metallopeptidase with thrombospondin type 1 motif 10; minus strand). Cytogenetic location: 19p13.2.
Variant type: single nucleotide variant.
Coding change: c.-198A>G on transcript NM_030957.4 (MANE Select); 198 bases upstream of the start codon, A replaced by G.
Molecular consequence: 5 prime UTR variant.
Genome position (GRCh38, 1-based): chr19:8,608,232, T>C on the plus strand (A>G on the coding strand, the complement: ADAMTS10 is on the minus strand). VCF-style: chr19-8608232-T-C. GRCh37 (hg19) VCF-style: chr19-8673114-T-C.
Identifiers: ClinVar variation 893682 (VCV000893682.5), dbSNP rs4530289, ClinGen allele CA305004880.

ClinVar aggregate classification (germline): Likely benign. Review status: criteria provided, multiple submitters, no conflicts (2 of 4 stars). 2 submissions from 2 submitters: Likely benign (2). Last evaluated 2018-01-13.

Conditions:
Weill-Marchesani syndrome. Also called: WM Syndrome; Mesodermal dysmorphodystrophy congenital. Identifiers: Orphanet 3449, MedGen C0265313, MONDO:0018096.

Allele frequency attached by ClinVar (database versions not stated): 1000 Genomes Project 0.00639; 1000 Genomes Project 30x 0.00812; gnomAD 0.01579 and 0.01712; TOPMed 0.01687; gnomAD exomes 0.02260.
gnomAD v4.1: 2,558 of 152,860 alleles (1.7%); highest among the groups gnomAD compares: Non-Finnish European, 2.5%; 33 homozygotes.

Submissions (2):

Illumina Laboratory Services, Illumina
Classification: Likely benign for Weill-Marchesani syndrome. Last evaluated: 2018-01-13. Review status: criteria provided, single submitter. Criteria: ICSL Variant Classification Criteria 13 December 2019. Collection method: clinical testing. Allele origin: germline.
Comment: This variant was observed in the ICSL laboratory as part of a predisposition screen in an ostensibly healthy population. It had not been previously curated by ICSL or reported in the Human Gene Mutation Database (HGMD: prior to June 1st, 2018), and was therefore a candidate for classification through an automated scoring system. Utilizing variant allele frequency, disease prevalence and penetrance estimates, and inheritance mode, an automated score was calculated to assess if this variant is too frequent to cause the disease. Based on the score and internal cut-off values, a variant classified as likely benign is not then subjected to further curation. The score for this variant resulted in a classification of likely benign for this disease.

Breakthrough Genomics
Classification: Likely benign. Review status: criteria provided, single submitter. Criteria: ACMG Guidelines, 2015. Collection method: not provided. Allele origin: germline. Inheritance: Autosomal recessive inheritance. Affected: yes.